The following is an entry in ClinVar:

ClinVar aggregate classification (germline): Uncertain significance (1 of 4 stars; one submission).

Conditions:
Combined immunodeficiency due to OX40 deficiency. Also called: OX40 DEFICIENCY; Immunodeficiency 16. Identifiers: Orphanet 431149, MedGen C3810053, MONDO:0014268, OMIM 615593.

Submission:

Labcorp Genetics (formerly Invitae), Labcorp
Classification: Uncertain significance for Combined immunodeficiency due to OX40 deficiency. Last evaluated: 2023-07-12. Review status: criteria provided, single submitter. Criteria: Invitae Variant Classification Sherloc (09022015). Collection method: clinical testing. Allele origin: germline.
Comment: This sequence change replaces methionine, which is neutral and non-polar, with valine, which is neutral and non-polar, at codon 52 of the TNFRSF4 protein (p.Met52Val). This variant is not present in population databases (gnomAD no frequency). This variant has not been reported in the literature in individuals affected with TNFRSF4-related conditions. In summary, the available evidence is currently insufficient to determine the role of this variant in disease. Therefore, it has been classified as a Variant of Uncertain Significance. Advanced modeling of protein sequence and biophysical properties (such as structural, functional, and spatial information, amino acid conservation, physicochemical variation, residue mobility, and thermodynamic stability) performed at Invitae indicates that this missense variant is not expected to disrupt TNFRSF4 protein function.

NM_003327.4(TNFRSF4):c.154A>G (p.Met52Val)

Gene: TNFRSF4 (TNF receptor superfamily member 4; minus strand). Cytogenetic location: 1p36.33.
Variant type: single nucleotide variant.
Coding change: c.154A>G on transcript NM_003327.4 (MANE Select); coding-DNA position 154, A replaced by G.
Protein change: p.Met52Val; replaces methionine 52 with valine.
Molecular consequence: missense variant.
Genome position (GRCh38, 1-based): chr1:1,213,777, T>C on the plus strand (A>G on the coding strand, the complement: TNFRSF4 is on the minus strand). VCF-style: chr1-1213777-T-C. GRCh37 (hg19) VCF-style: chr1-1149157-T-C.
Other names: c.154A>G, p.Met52Val (NM_001410709.1); short protein forms M52V.
Identifiers: ClinVar variation 2742276 (VCV002742276.3), dbSNP rs2521779284, ClinGen allele CA337802353.